The following is an entry in ClinVar:

ClinVar aggregate classification (germline): Uncertain significance. Review status: criteria provided, multiple submitters, no conflicts (2 of 4 stars). 4 submissions from 4 submitters: Uncertain significance (4). Last evaluated 2025-10-27.

Conditions:
Shwachman-Diamond syndrome 1 (SDS1). Also called: LIPOMATOSIS OF PANCREAS, CONGENITAL. Identifiers: MedGen C4692625, MONDO:0044204, OMIM 260400.
Bone marrow failure syndrome 3 (BMFS3). Identifiers: MedGen C4310744, MONDO:0014887, OMIM 617052.

Submissions (4):

Labcorp Genetics (formerly Invitae), Labcorp
Classification: Uncertain significance. Last evaluated: 2025-10-27. Review status: criteria provided, single submitter. Criteria: Invitae Variant Classification Sherloc (09022015). Collection method: clinical testing. Allele origin: germline.
Comment: This sequence change creates a premature translational stop signal (p.Lys456Asnfs*10) in the DNAJC21 gene. While this is not anticipated to result in nonsense mediated decay, it is expected to disrupt the last 76 amino acid(s) of the DNAJC21 protein. This variant is present in population databases (rs756768331, gnomAD 0.05%). This premature translational stop signal has been observed in individual(s) with acute lymphoblastic leukemia (PMID: 35739278). This variant is also known as 1503delA. ClinVar contains an entry for this variant (Variation ID: 1303476). In summary, the available evidence is currently insufficient to determine the role of this variant in disease. Therefore, it has been classified as a Variant of Uncertain Significance.

Blueprint Genetics
Classification: Uncertain significance. Last evaluated: 2024-05-23. Review status: criteria provided, single submitter. Criteria: ACMG Guidelines, 2015. Collection method: clinical testing. Allele origin: germline.

Fulgent Genetics
Classification: Uncertain significance for Shwachman-Diamond syndrome 1; Bone marrow failure syndrome 3. Last evaluated: 2022-02-22. Review status: criteria provided, single submitter. Criteria: ACMG Guidelines, 2015. Collection method: clinical testing. Allele origin: unknown.

GeneDx
Classification: Uncertain significance. Last evaluated: 2019-03-25. Review status: criteria provided, single submitter. Criteria: GeneDx Variant Classification Process June 2021. Collection method: clinical testing. Allele origin: germline. Affected: yes.
Comment: Reported previously using alternate nomenclature c.1503delA in the heterozygous state in three individuals in a study of breast cancer patients with negative BRCA1/BRCA2/PALB2 sequencing results (Lhota et al., 2016); Frameshift variant predicted to result in protein truncation as the last 76 amino acids are lost and replaced with 9 incorrect amino acids, although loss-of-function variants have not been reported downstream of this position in the protein; This variant is associated with the following publications: (PMID: 26822949)

Literature cited by the submitters: PubMed 35739278 (cited by Labcorp Genetics (formerly Invitae), Labcorp).

NM_001012339.3(DNAJC21):c.1368del (p.Lys456fs)

Gene: DNAJC21 (DnaJ heat shock protein family (Hsp40) member C21; plus strand). Cytogenetic location: 5p13.2.
Variant type: Deletion.
Coding change: c.1368del on transcript NM_001012339.3 (MANE Select); coding-DNA position 1368, one base deleted (A; older notation c.1368delA).
Protein change: p.Lys456fs; shifts the reading frame from lysine 456.
Molecular consequence: frameshift variant.
Genome position (GRCh38, 1-based): chr5:34,953,935, A deleted; the last of 3 consecutive A bases (chr5:34,953,933-34,953,935); deleting any one gives the same sequence. VCF-style (leftmost placement, unchanged base first): chr5-34953932-TA-T. GRCh37 (hg19) VCF-style: chr5-34954037-TA-T.
Other names: c.1407del, p.Lys469fs (NM_001348420.2); c.1503del, p.Lys501fs (NM_194283.4); short protein forms K456fs, K469fs, K501fs.
Identifiers: ClinVar variation 1303476 (VCV001303476.8), dbSNP rs756768331, ClinGen allele CA3228839.